The following is an entry in ClinVar:

ClinVar aggregate classification (germline): Likely benign. Review status: criteria provided, multiple submitters, no conflicts (2 of 4 stars). 3 submissions from 3 submitters: Likely benign (3). Last evaluated 2025-08-28.

Conditions:
MFN2-related disorder. Also called: MFN2-related disorders; MFN2-related condition.
Charcot-Marie-Tooth disease type 2. Also called: Charcot-Marie-Tooth type 2. Identifiers: Orphanet 64746, MedGen C0270914, MONDO:0018993.

gnomAD v4.1: 7 of 1,614,042 alleles (0.00043%); highest among the groups gnomAD compares: Middle Eastern, 0.016%; no homozygotes.

Submissions (3):

PreventionGenetics, part of Exact Sciences
Classification: Likely benign for MFN2-related condition. Last evaluated: 2025-08-28. Review status: criteria provided, single submitter. Criteria: ACMG Guidelines, 2015. Collection method: clinical testing. Allele origin: germline.
Comment: This variant is classified as likely benign based on ACMG/AMP sequence variant interpretation guidelines (Richards et al. 2015 PMID: 25741868, with internal and published modifications).

CeGaT Center for Human Genetics Tuebingen
Classification: Likely benign. Last evaluated: 2025-05-01. Review status: criteria provided, single submitter. Criteria: CeGaT Center For Human Genetics Tuebingen Variant Classification Criteria Version 2. Collection method: clinical testing. Allele origin: germline. Affected: yes. Observed: 1 variant allele.
Comment: MFN2: BP4, BP7

Labcorp Genetics (formerly Invitae), Labcorp
Classification: Likely benign for Charcot-Marie-Tooth disease type 2. Last evaluated: 2023-01-19. Review status: criteria provided, single submitter. Criteria: Invitae Variant Classification Sherloc (09022015). Collection method: clinical testing. Allele origin: germline.

NM_014874.4(MFN2):c.1920C>T (p.Leu640=)

Gene: MFN2 (mitofusin 2; plus strand). Cytogenetic location: 1p36.22.
Variant type: single nucleotide variant.
Coding change: c.1920C>T on transcript NM_014874.4 (MANE Select); coding-DNA position 1920, C replaced by T.
Protein change: p.Leu640=; no amino-acid change (leucine 640 retained).
Molecular consequence: synonymous variant.
Genome position (GRCh38, 1-based): chr1:12,007,100, C>T. VCF-style: chr1-12007100-C-T. GRCh37 (hg19) VCF-style: chr1-12067157-C-T.
Other names: c.1920C>T, p.Leu640= (NM_001127660.2).
Identifiers: ClinVar variation 2771817 (VCV002771817.14), dbSNP rs141468012, ClinGen allele CA599274.
Genomic context (GRCh38, chr1:12,007,100, plus strand): 5'-ATGTGCTCTGCAGGTGTGGAAGGCAGTGGGCTGGCGGCTCATTGCCCTCTCCTTTGGGCT[C>T]TATGGCCTCCTCTACGTCTATGAGCGTCTGACCTGGACCACCAAGGCCAAGGAGAGGGCC-3'
Protein context (NP_055689.1, residues 630-650): GWRLIALSFG[Leu640=]YGLLYVYERL